The following is an entry in ClinVar:

ClinVar aggregate classification (germline): Uncertain significance (1 of 4 stars; one submission).

gnomAD v4.1: 2 of 1,613,660 alleles (0.00012%); highest among the groups gnomAD compares: Admixed American, 0.0017%; no homozygotes.

Submission:

GeneDx
Classification: Uncertain significance. Last evaluated: 2025-08-12. Review status: criteria provided, single submitter. Criteria: GeneDx Variant Classification Process June 2021. Collection method: clinical testing. Allele origin: germline. Affected: yes.
Comment: Not observed at significant frequency in large population cohorts (gnomAD); In silico analysis supports that this missense variant has a deleterious effect on protein structure/function; Has not been previously published as pathogenic or benign to our knowledge

NM_025074.7(FRAS1):c.7024A>G (p.Thr2342Ala)

Gene: FRAS1 (Fraser extracellular matrix complex subunit 1; plus strand). Cytogenetic location: 4q21.21.
Variant type: single nucleotide variant.
Coding change: c.7024A>G on transcript NM_025074.7 (MANE Select); coding-DNA position 7024, A replaced by G.
Protein change: p.Thr2342Ala; replaces threonine 2342 with alanine.
Molecular consequence: missense variant.
Genome position (GRCh38, 1-based): chr4:78,464,578, A>G. VCF-style: chr4-78464578-A-G. GRCh37 (hg19) VCF-style: chr4-79385732-A-G.
Other names: short protein forms T2342A.
Identifiers: ClinVar variation 4795711 (VCV004795711.1).